The following is an entry in ClinVar:

NM_005726.6(TSFM):c.935G>T (p.Arg312Leu)

Gene: TSFM (Ts translation elongation factor, mitochondrial; plus strand). Cytogenetic location: 12q14.1.
Variant type: single nucleotide variant.
Coding change: c.935G>T on transcript NM_005726.6 (MANE Select); coding-DNA position 935, G replaced by T.
Protein change: p.Arg312Leu; replaces arginine 312 with leucine.
Molecular consequence: missense variant. On other transcripts: 3 prime UTR variant (1), intron variant (1).
Genome position (GRCh38, 1-based): chr12:57,796,540, G>T. VCF-style: chr12-57796540-G-T. GRCh37 (hg19) VCF-style: chr12-58190323-G-T.
Other names: c.*343G>T (NM_001172695.2); c.998G>T, p.Arg333Leu (NM_001172696.2); c.571+3467G>T (NM_001172697.2); short protein forms R312L, R333L.
Identifiers: ClinVar variation 2037846 (VCV002037846.1), dbSNP rs768718007, ClinGen allele CA385532231.

ClinVar aggregate classification (germline): Uncertain significance (1 of 4 stars; one submission).

gnomAD v4.1: 12 of 1,461,080 alleles (0.00082%); highest among the groups gnomAD compares: Non-Finnish European, 0.0011%; no homozygotes.

Submission:

Labcorp Genetics (formerly Invitae), Labcorp
Classification: Uncertain significance. Last evaluated: 2022-05-28. Review status: criteria provided, single submitter. Criteria: Invitae Variant Classification Sherloc (09022015). Collection method: clinical testing. Allele origin: germline.
Comment: This sequence change replaces arginine, which is basic and polar, with leucine, which is neutral and non-polar, at codon 333 of the TSFM protein (p.Arg333Leu). This variant is not present in population databases (gnomAD no frequency). This variant has not been reported in the literature in individuals affected with TSFM-related conditions. Algorithms developed to predict the effect of missense changes on protein structure and function are either unavailable or do not agree on the potential impact of this missense change (SIFT: "Deleterious"; PolyPhen-2: "Probably Damaging"; Align-GVGD: "Class C0"). This variant disrupts the p.Arg333 amino acid residue in TSFM. Other variant(s) that disrupt this residue have been determined to be pathogenic (PMID: 17033963, 21741925, 22277967). This suggests that this residue is clinically significant, and that variants that disrupt this residue are likely to be disease-causing. In summary, the available evidence is currently insufficient to determine the role of this variant in disease. Therefore, it has been classified as a Variant of Uncertain Significance.

Literature cited by the submitters: PubMed 17033963; PubMed 21741925; PubMed 22277967.